The following is an entry in ClinVar:

ClinVar aggregate classification (germline): Uncertain significance (1 of 4 stars; one submission).

Conditions:
Gnathodiaphyseal dysplasia (GDD). Also called: GNATHODIAPHYSEAL SCLEROSIS; OSTEOGENESIS IMPERFECTA WITH UNUSUAL SKELETAL LESIONS. Identifiers: Orphanet 53697, MedGen C1833736, MONDO:0008151, OMIM 166260.
Autosomal recessive limb-girdle muscular dystrophy type 2L (LGMDR12). Also called: Limb-girdle muscular dystrophy, type 2L; MUSCULAR DYSTROPHY, LIMB-GIRDLE, AUTOSOMAL RECESSIVE 12; Limb-Girdle Muscular Dystrophy R12 Anoctamin-5-Related (LGMD-R12). Identifiers: Orphanet 206549, MedGen C1969785, MONDO:0012652, OMIM 611307.

Allele frequency attached by ClinVar (database versions not stated): TOPMed below 0.00001; gnomAD 0.00001.
gnomAD v4.1: 2 of 1,606,066 alleles (0.00012%); highest among the groups gnomAD compares: South Asian, 0.0011%; no homozygotes.

Submission:

Labcorp Genetics (formerly Invitae), Labcorp
Classification: Uncertain significance for Autosomal recessive limb-girdle muscular dystrophy type 2L; Gnathodiaphyseal dysplasia. Last evaluated: 2023-02-27. Review status: criteria provided, single submitter. Criteria: Invitae Variant Classification Sherloc (09022015). Collection method: clinical testing. Allele origin: germline.
Comment: This variant has not been reported in the literature in individuals affected with ANO5-related conditions. This variant is not present in population databases (gnomAD no frequency). This sequence change replaces isoleucine, which is neutral and non-polar, with valine, which is neutral and non-polar, at codon 755 of the ANO5 protein (p.Ile755Val). In summary, the available evidence is currently insufficient to determine the role of this variant in disease. Therefore, it has been classified as a Variant of Uncertain Significance. Advanced modeling of protein sequence and biophysical properties (such as structural, functional, and spatial information, amino acid conservation, physicochemical variation, residue mobility, and thermodynamic stability) has been performed at Invitae for this missense variant, however the output from this modeling did not meet the statistical confidence thresholds required to predict the impact of this variant on ANO5 protein function.

NM_213599.3(ANO5):c.2263A>G (p.Ile755Val)

Gene: ANO5 (anoctamin 5; plus strand). Cytogenetic location: 11p14.3.
Variant type: single nucleotide variant.
Coding change: c.2263A>G on transcript NM_213599.3 (MANE Select); coding-DNA position 2263, A replaced by G.
Protein change: p.Ile755Val; replaces isoleucine 755 with valine.
Molecular consequence: missense variant.
Genome position (GRCh38, 1-based): chr11:22,274,596, A>G. VCF-style: chr11-22274596-A-G. GRCh37 (hg19) VCF-style: chr11-22296142-A-G.
Other names: c.2260A>G, p.Ile754Val (NM_001142649.2); c.2221A>G, p.Ile741Val (NM_001410963.1); c.2218A>G, p.Ile740Val (NM_001410964.1); short protein forms I754V, I740V, I755V, I741V.
Identifiers: ClinVar variation 2935147 (VCV002935147.3), dbSNP rs1854761207, ClinGen allele CA379924135.